The following is an entry in ClinVar:

NM_000455.5(STK11):c.290+1_290+7del

Gene: STK11 (serine/threonine kinase 11; plus strand). Cytogenetic location: 19p13.3.
Variant type: Deletion.
Coding change: c.290+1_290+7del on transcript NM_000455.5 (MANE Select); the canonical splice donor site of the intron after coding-DNA position 290 through 7 bases into the intron after coding-DNA position 290, 7 bases deleted (GTAAGTA; older notation c.290+1_290+7delGTAAGTA).
Molecular consequence: splice donor variant.
Genome position (GRCh38, 1-based): chr19:1,207,204-1,207,210, GTAAGTA deleted; deleting any 7 consecutive bases within chr19:1,207,203-1,207,210 gives the same sequence; the c. name uses the placement nearest the transcript's 3' end. VCF-style (leftmost placement, unchanged base first): chr19-1207202-AAGTAAGT-A. GRCh37 (hg19) VCF-style: chr19-1207201-AAGTAAGT-A.
Identifiers: ClinVar variation 458038 (VCV000458038.6), dbSNP rs1555735080, ClinGen allele CA658656744.

ClinVar aggregate classification (germline): Likely pathogenic (1 of 4 stars; one submission).

Conditions:
Peutz-Jeghers syndrome (PJS). Also called: POLYPOSIS, HAMARTOMATOUS INTESTINAL; POLYPS-AND-SPOTS SYNDROME; Peutz-Jeghers polyposis; Periorificial lentiginosis syndrome. Identifiers: Orphanet 2869, MedGen C0031269, MeSH D010580, MONDO:0008280, OMIM 175200.

Submission:

Labcorp Genetics (formerly Invitae), Labcorp
Classification: Likely pathogenic for Peutz-Jeghers syndrome. Last evaluated: 2017-09-12. Review status: criteria provided, single submitter. Criteria: Invitae Variant Classification Sherloc (09022015). Collection method: clinical testing. Allele origin: germline.
Comment: This variant has not been reported in the literature in individuals with STK11-related disease. This sequence change affects a donor splice site in intron 1 of the STK11 gene. It is expected to disrupt RNA splicing and likely results in an absent or disrupted protein product. This variant is not present in population databases (ExAC no frequency). Algorithms developed to predict the effect of sequence changes on RNA splicing suggest that this variant may disrupt the consensus splice site, but this prediction has not been confirmed by published transcriptional studies. Donor and acceptor splice site variants typically lead to a loss of protein function (PMID: 16199547), and loss-of-function variants in STK11 are known to be pathogenic (PMID: 15188174, 16287113). In summary, the currently available evidence indicates that the variant is pathogenic, but additional data are needed to prove that conclusively. Therefore, this variant has been classified as Likely Pathogenic.

Literature cited by the submitters: PubMed 16199547; PubMed 15188174; PubMed 16287113.